The following is an entry in ClinVar:

NM_003730.6(RNASET2):c.660G>A (p.Pro220=)

Gene: RNASET2 (ribonuclease T2; minus strand). Cytogenetic location: 6q27.
Variant type: single nucleotide variant.
Coding change: c.660G>A on transcript NM_003730.6 (MANE Select); coding-DNA position 660, G replaced by A.
Protein change: p.Pro220=; no amino-acid change (proline 220 retained).
Molecular consequence: synonymous variant.
Genome position (GRCh38, 1-based): chr6:166,929,699, C>T on the plus strand (G>A on the coding strand, the complement: RNASET2 is on the minus strand). VCF-style: chr6-166929699-C-T. GRCh37 (hg19) VCF-style: chr6-167343187-C-T.
Identifiers: ClinVar variation 786739 (VCV000786739.33), dbSNP rs74546166, ClinGen allele CA4094822.

ClinVar aggregate classification (germline): Conflicting classifications of pathogenicity. Review status: criteria provided, conflicting classifications (1 of 4 stars). 3 submissions from 3 submitters: Uncertain significance (1); Likely benign (2). Last evaluated 2025-01-05.

Conditions:
Cystic leukoencephalopathy without megalencephaly. Identifiers: Orphanet 85136, MedGen C2751843, MONDO:0013058, OMIM 612951.

Allele frequency attached by ClinVar (database versions not stated): gnomAD 0.00004 and 0.00006; TOPMed 0.00004; ExAC 0.00007; ESP Exome Variant Server 0.00008; 1000 Genomes Project 30x 0.00016; 1000 Genomes Project 0.00020.
gnomAD v4.1: 198 of 1,614,022 alleles (0.012%); highest among the groups gnomAD compares: East Asian, 0.19%; 2 homozygotes.

Submissions (3):

Labcorp Genetics (formerly Invitae), Labcorp
Classification: Likely benign. Last evaluated: 2025-01-05. Review status: criteria provided, single submitter. Criteria: Invitae Variant Classification Sherloc (09022015). Collection method: clinical testing. Allele origin: germline.

CeGaT Center for Human Genetics Tuebingen
Classification: Likely benign. Last evaluated: 2024-02-01. Review status: criteria provided, single submitter. Criteria: CeGaT Center For Human Genetics Tuebingen Variant Classification Criteria Version 2. Collection method: clinical testing. Allele origin: germline. Affected: yes. Observed: 1 variant allele.
Comment: RNASET2: BP4, BP7

Illumina Laboratory Services, Illumina
Classification: Uncertain significance for Cystic leukoencephalopathy without megalencephaly. Last evaluated: 2018-01-13. Review status: criteria provided, single submitter. Criteria: ICSL Variant Classification Criteria 13 December 2019. Collection method: clinical testing. Allele origin: germline.